The following is an entry in ClinVar:

ClinVar aggregate classification (germline): Uncertain significance (1 of 4 stars; one submission).

Conditions:
Neurodevelopmental disorder with spasticity and poor growth. Identifiers: MedGen C4748081, MONDO:0060752, OMIM 618076.

gnomAD v4.1: 1 of 1,614,228 alleles (0.000062%); highest among the groups gnomAD compares: Middle Eastern, 0.016%; no homozygotes.

Submission:

Baylor Genetics
Classification: Uncertain significance for Neurodevelopmental disorder with spasticity and poor growth. Last evaluated: 2019-08-23. Review status: criteria provided, single submitter. Criteria: ACMG Guidelines, 2015. Collection method: clinical testing. Allele origin: unknown. Affected: yes.
Comment: This variant was determined to be of uncertain significance according to ACMG Guidelines, 2015 [PMID:25741868].

NM_016406.4(UFC1):c.153C>A (p.Asn51Lys)

Gene: UFC1 (ubiquitin-fold modifier conjugating enzyme 1; plus strand). Cytogenetic location: 1q23.3.
Variant type: single nucleotide variant.
Coding change: c.153C>A on transcript NM_016406.4 (MANE Select); coding-DNA position 153, C replaced by A.
Protein change: p.Asn51Lys; replaces asparagine 51 with lysine.
Molecular consequence: missense variant.
Genome position (GRCh38, 1-based): chr1:161,156,979, C>A. VCF-style: chr1-161156979-C-A. GRCh37 (hg19) VCF-style: chr1-161126769-C-A.
Other names: short protein forms N51K.
Identifiers: ClinVar variation 1029601 (VCV001029601.1), dbSNP rs142789001, ClinGen allele CA343336348.